The following is an entry in ClinVar:

ClinVar aggregate classification (germline): Pathogenic/Likely pathogenic. Review status: criteria provided, multiple submitters, no conflicts (2 of 4 stars). 3 submissions from 3 submitters: Pathogenic (2); Likely pathogenic (1). Last evaluated 2026-01-15.

Conditions:
Stickler syndrome, type 5 (STL5). Also called: COL9A2-Related Stickler Syndrome. Identifiers: Orphanet 250984, Orphanet 828, MedGen C3280342, MONDO:0013666, OMIM 614284.
COL9A2-related disorder. Also called: COL9A2-related condition.

Allele frequency attached by ClinVar (database versions not stated): gnomAD exomes below 0.00001.
gnomAD v4.1: 5 of 1,601,138 alleles (0.00031%); highest among the groups gnomAD compares: Non-Finnish European, 0.00034%; no homozygotes.

Submissions (3):

Labcorp Genetics (formerly Invitae), Labcorp
Classification: Pathogenic. Last evaluated: 2026-01-15. Review status: criteria provided, single submitter. Criteria: Invitae Variant Classification Sherloc (09022015). Collection method: clinical testing. Allele origin: germline.
Comment: This sequence change creates a premature translational stop signal (p.Arg136*) in the COL9A2 gene. It is expected to result in an absent or disrupted protein product. Loss-of-function variants in COL9A2 are known to be pathogenic (PMID: 21671392, 33356723). The frequency data for this variant in the population databases is considered unreliable, as metrics indicate poor data quality at this position in the gnomAD database. This premature translational stop signal has been observed in individual(s) with clinical features of autosomal recessive Stickler syndrome (PMID: 31152317). ClinVar contains an entry for this variant (Variation ID: 2192619). For these reasons, this variant has been classified as Pathogenic.

First Genomix Gene Laboratory, Genetic Diagnostics Department
Classification: Pathogenic for Stickler syndrome, type 5. Last evaluated: 2025-08-05. Review status: criteria provided, single submitter. Criteria: ACMG Guidelines, 2015. Collection method: clinical testing. Allele origin: germline. Inheritance: Autosomal recessive inheritance. Affected: no. Observed: 1 variant allele.

Blueprint Genetics
Classification: Likely pathogenic for COL9A2-related disorders. Last evaluated: 2023-11-28. Review status: criteria provided, single submitter. Criteria: ACMG Guidelines, 2015. Collection method: clinical testing. Allele origin: germline. Affected: yes. Observed: 3 variant alleles.

Literature cited by the submitters: PubMed 21671392 (cited by Labcorp Genetics (formerly Invitae), Labcorp); PubMed 33356723 (cited by Labcorp Genetics (formerly Invitae), Labcorp); PubMed 31152317 (cited by Labcorp Genetics (formerly Invitae), Labcorp).

NM_001852.4(COL9A2):c.406C>T (p.Arg136Ter)

Gene: COL9A2 (collagen type IX alpha 2 chain; minus strand). Cytogenetic location: 1p34.2.
Variant type: single nucleotide variant.
Coding change: c.406C>T on transcript NM_001852.4 (MANE Select); coding-DNA position 406, C replaced by T.
Protein change: p.Arg136Ter; replaces arginine 136 with a stop codon.
Molecular consequence: nonsense.
Genome position (GRCh38, 1-based): chr1:40,312,070, G>A on the plus strand (C>T on the coding strand, the complement: COL9A2 is on the minus strand). VCF-style: chr1-40312070-G-A. GRCh37 (hg19) VCF-style: chr1-40777742-G-A.
Other names: short protein forms R136*.
Identifiers: ClinVar variation 2192619 (VCV002192619.6), dbSNP rs1315693882, ClinGen allele CA339856489.
Genomic context (GRCh38, chr1:40,312,070, plus strand): 5'-TTGGAGATAGAAGGCAGGAGGCAGTGAACAGAGGGTGGCTGAGGCTCACCTTGGGGCCTC[G>A]GATTCCAATCTCACCAGGGAGGCCAACAGGTCCAGGAGGCCCCTGGGGAGCAGAGAGTTG-3'